The following is an entry in ClinVar:

NM_014974.3(DIP2C):c.3616C>G (p.Pro1206Ala)

Gene: DIP2C (disco interacting protein 2 homolog C; minus strand). Cytogenetic location: 10p15.3.
Variant type: single nucleotide variant.
Coding change: c.3616C>G on transcript NM_014974.3 (MANE Select); coding-DNA position 3616, C replaced by G.
Protein change: p.Pro1206Ala; replaces proline 1206 with alanine.
Molecular consequence: missense variant.
Genome position (GRCh38, 1-based): chr10:329,570, G>C on the plus strand (C>G on the coding strand, the complement: DIP2C is on the minus strand). VCF-style: chr10-329570-G-C. GRCh37 (hg19) VCF-style: chr10-375510-G-C.
Other names: short protein forms P1206A.
Identifiers: ClinVar variation 4527770 (VCV004527770.1).
Genomic context (GRCh38, chr10:329,570, plus strand): 5'-CTTTGTACTGACTCACGGCAAGAAGCCACAAGGCGGGGTTGGTTTCCAGCTCAGAGGGCG[G>C]GATCAGGATGGACTGGTGCCCAGAATACACACTGCAGAGAAAGAAGAGGCTGTCAGGGCG-3'
Protein context (NP_055789.1, residues 1196-1216): VYSGHQSILI[Pro1206Ala]PSELETNPAL

ClinVar aggregate classification (germline): Uncertain significance (1 of 4 stars; one submission).

gnomAD v4.1: 1 of 1,614,048 alleles (0.000062%); highest among the groups gnomAD compares: Admixed American, 0.0017%; no homozygotes.

Submission:

GeneDx
Classification: Uncertain significance. Last evaluated: 2025-05-01. Review status: criteria provided, single submitter. Criteria: GeneDx Variant Classification Process June 2021. Collection method: clinical testing. Allele origin: germline. Affected: yes.
Comment: Not observed at significant frequency in large population cohorts (gnomAD); In silico analysis supports that this missense variant has a deleterious effect on protein structure/function; Has not been previously published as pathogenic or benign to our knowledge